The following is an entry in ClinVar:

NM_000110.4(DPYD):c.2593G>T (p.Val865Phe)

Genes: DPYD (dihydropyrimidine dehydrogenase; minus strand), DPYD-AS1 (DPYD antisense RNA 1; plus strand). Cytogenetic location: 1p21.3.
Variant type: single nucleotide variant.
Coding change: c.2593G>T on transcript NM_000110.4 (MANE Select); coding-DNA position 2593, G replaced by T.
Protein change: p.Val865Phe; replaces valine 865 with phenylalanine.
Molecular consequence: missense variant.
Genome position (GRCh38, 1-based): chr1:97,193,098, C>A on the plus strand (G>T on the coding strand, the complement: DPYD is on the minus strand). VCF-style: chr1-97193098-C-A. GRCh37 (hg19) VCF-style: chr1-97658654-C-A.
Other names: short protein forms V865F.
Identifiers: ClinVar variation 2567626 (VCV002567626.2), dbSNP rs773815814, ClinGen allele CA963000.
Genomic context (GRCh38, chr1:97,193,098, plus strand): 5'-CAAGAATAACACAGGAGATTTAAGCACATACCTTGTCCATGAGTTCAGCTATACGTGGAA[C>A]TGGTTTCCCTTTCTGGTGACTCACAGTAGCTGGACTCTGTCCATCCCAGTCTTGTAGTTC-3'
Protein context (NP_000101.2, residues 855-875): ATVSHQKGKP[Val865Phe]PRIAELMDKK

ClinVar aggregate classification (germline): Uncertain significance (1 of 4 stars; one submission).

Conditions:
Inborn genetic diseases. Identifiers: MedGen C0950123, MeSH D030342.

Allele frequency attached by ClinVar (database versions not stated): gnomAD exomes 0.00001.
gnomAD v4.1: 7 of 1,614,036 alleles (0.00043%); highest among the groups gnomAD compares: Non-Finnish European, 0.00059%; no homozygotes.

Submission:

Ambry Genetics
Classification: Uncertain significance for Inborn genetic diseases. Last evaluated: 2023-03-25. Review status: criteria provided, single submitter. Criteria: Ambry Variant Classification Scheme 2023. Collection method: clinical testing. Allele origin: germline.
Comment: The p.V865F variant (also known as c.2593G>T), located in coding exon 20 of the DPYD gene, results from a G to T substitution at nucleotide position 2593. The valine at codon 865 is replaced by phenylalanine, an amino acid with highly similar properties. This amino acid position is conserved. In addition, this alteration is predicted to be deleterious by in silico analysis. Since supporting evidence is limited at this time, the clinical significance of this alteration remains unclear.